The following is an entry in ClinVar:

NM_014363.6(SACS):c.1229T>C (p.Leu410Ser)

Gene: SACS (sacsin molecular chaperone; minus strand). Cytogenetic location: 13q12.12.
Variant type: single nucleotide variant.
Coding change: c.1229T>C on transcript NM_014363.6 (MANE Select); coding-DNA position 1229, T replaced by C.
Protein change: p.Leu410Ser; replaces leucine 410 with serine.
Molecular consequence: missense variant.
Genome position (GRCh38, 1-based): chr13:23,355,383, A>G on the plus strand (T>C on the coding strand, the complement: SACS is on the minus strand). VCF-style: chr13-23355383-A-G. GRCh37 (hg19) VCF-style: chr13-23929522-A-G.
Other names: c.788T>C, p.Leu263Ser (NM_001278055.2); c.1229T>C (NM_014363.4); short protein forms L263S, L410S.
Identifiers: ClinVar variation 1001616 (VCV001001616.7), dbSNP rs777556535, ClinGen allele CA6911948.

ClinVar aggregate classification (germline): Uncertain significance. Review status: criteria provided, multiple submitters, no conflicts (2 of 4 stars). 2 submissions from 2 submitters: Uncertain significance (2). Last evaluated 2025-06-27.

Conditions:
Spastic paraplegia. Identifiers: MedGen C0037772, HP:0001258.

Allele frequency attached by ClinVar (database versions not stated): gnomAD exomes below 0.00001 and 0.00001; ExAC 0.00001; gnomAD 0.00001 and 0.00002; TOPMed 0.00003.
gnomAD v4.1: 8 of 1,614,028 alleles (0.0005%); highest among the groups gnomAD compares: Non-Finnish European, 0.00068%; no homozygotes.

Submissions (2):

Athena Diagnostics
Classification: Uncertain significance. Last evaluated: 2025-06-27. Review status: criteria provided, single submitter. Criteria: Athena Diagnostics Criteria. Collection method: clinical testing. Allele origin: unknown.
Comment: Available data are insufficient to determine the clinical significance of the variant at this time. The frequency of this variant in the general population is uninformative in assessment of its pathogenicity. Polyphen and MutationTaster yielded discordant predictions regarding whether this amino acid change is damaging to the protein.

Labcorp Genetics (formerly Invitae), Labcorp
Classification: Uncertain significance for Spastic paraplegia. Last evaluated: 2021-08-31. Review status: criteria provided, single submitter. Criteria: Invitae Variant Classification Sherloc (09022015). Collection method: clinical testing. Allele origin: germline.
Comment: This sequence change replaces leucine with serine at codon 410 of the SACS protein (p.Leu410Ser). The leucine residue is moderately conserved and there is a large physicochemical difference between leucine and serine. This variant is present in population databases (rs777556535, ExAC 0.001%). This variant has not been reported in the literature in individuals affected with SACS-related conditions. Algorithms developed to predict the effect of missense changes on protein structure and function are either unavailable or do not agree on the potential impact of this missense change (SIFT: "Deleterious"; PolyPhen-2: "Probably Damaging"; Align-GVGD: "Class C0"). In summary, the available evidence is currently insufficient to determine the role of this variant in disease. Therefore, it has been classified as a Variant of Uncertain Significance.